The following is an entry in ClinVar:

NM_005548.3(KARS1):c.1552-6T>G

Gene: KARS1 (lysyl-tRNA synthetase 1; minus strand). Cytogenetic location: 16q23.1.
Variant type: single nucleotide variant.
Coding change: c.1552-6T>G on transcript NM_005548.3 (MANE Select); 6 bases into the intron before coding-DNA position 1552, T replaced by G.
Molecular consequence: intron variant.
Genome position (GRCh38, 1-based): chr16:75,628,718, A>C on the plus strand (T>G on the coding strand, the complement: KARS1 is on the minus strand). VCF-style: chr16-75628718-A-C. GRCh37 (hg19) VCF-style: chr16-75662616-A-C.
Other names: c.1636-6T>G (NM_001130089.2); c.1084-6T>G (NM_001378148.1).
Identifiers: ClinVar variation 740568 (VCV000740568.33), dbSNP rs147548667, ClinGen allele CA8177190.

ClinVar aggregate classification (germline): Likely benign. Review status: criteria provided, multiple submitters, no conflicts (2 of 4 stars). 3 submissions from 3 submitters: Likely benign (2). 1 of the submissions does not count toward it. Last evaluated 2025-12-17.

Conditions:
KARS1-related disorder. Also called: KARS1-related disorders.

Allele frequency attached by ClinVar (database versions not stated): 1000 Genomes Project 30x 0.00016; 1000 Genomes Project 0.00020; ExAC 0.00026; gnomAD exomes 0.00028 and 0.00043; TOPMed 0.00028; gnomAD 0.00035 and 0.00037; ESP Exome Variant Server 0.00046.
gnomAD v4.1: 674 of 1,614,214 alleles (0.042%); highest among the groups gnomAD compares: Non-Finnish European, 0.052%; no homozygotes.

Submissions (4):

Labcorp Genetics (formerly Invitae), Labcorp
Classification: Likely benign. Last evaluated: 2025-12-17. Review status: criteria provided, single submitter. Criteria: Invitae Variant Classification Sherloc (09022015). Collection method: clinical testing. Allele origin: germline.

CeGaT Center for Human Genetics Tuebingen
Classification: Likely benign. Last evaluated: 2023-12-01. Review status: criteria provided, single submitter. Criteria: CeGaT Center For Human Genetics Tuebingen Variant Classification Criteria Version 2. Collection method: clinical testing. Allele origin: germline. Affected: yes. Observed: 1 variant allele.
Comment: KARS1: BP4

PreventionGenetics, part of Exact Sciences
Classification: Likely benign for KARS1-related condition. Last evaluated: 2022-03-18. Review status: no assertion criteria provided. Collection method: clinical testing. Allele origin: germline. Not counted in ClinVar's aggregate classification.
Comment: This variant is classified as likely benign based on ACMG/AMP sequence variant interpretation guidelines (Richards et al. 2015 PMID: 25741868, with internal and published modifications).

Dr. Peter K. Rogan Lab, Western University
No classification provided (evidence only). Condition: Familial cancer of breast. Review status: no classification provided. Collection method: in vitro. Allele origin: not applicable. Functional consequence: retained intron. Not counted in ClinVar's aggregate classification.